The following is an entry in ClinVar:

ClinVar aggregate classification (germline): Uncertain significance. Review status: criteria provided, multiple submitters, no conflicts (2 of 4 stars). 2 submissions from 2 submitters: Uncertain significance (2). Last evaluated 2023-09-23.

Conditions:
TTN-related disorder. Also called: TTN-related condition; TTN-related disease; TTN-related disorders.
Cardiovascular phenotype. Identifiers: MedGen CN230736.

Allele frequency attached by ClinVar (database versions not stated): gnomAD 0.00001; ExAC 0.00002.
gnomAD v4.1: 29 of 1,613,696 alleles (0.0018%); highest among the groups gnomAD compares: Admixed American, 0.0033%; no homozygotes.

Submissions (2):

PreventionGenetics, part of Exact Sciences
Classification: Uncertain significance for TTN-related condition. Last evaluated: 2023-09-23. Review status: criteria provided, single submitter. Criteria: ACMG Guidelines, 2015. Collection method: clinical testing. Allele origin: germline.
Comment: The TTN c.11584C>A variant is predicted to result in the amino acid substitution p.Pro3862Thr. To our knowledge, this variant has not been reported in the literature. This variant is reported in 0.0027% of alleles in individuals of European (Non-Finnish) descent in gnomAD. At this time, the clinical significance of this variant is uncertain due to the absence of conclusive functional and genetic evidence.

Ambry Genetics
Classification: Uncertain significance for Cardiovascular phenotype. Last evaluated: 2018-05-16. Review status: criteria provided, single submitter. Criteria: Ambry Variant Classification Scheme 2023. Collection method: clinical testing. Allele origin: germline.
Comment: The p.P3499T variant (also known as c.10495C>A), located in coding exon 44 of the TTN gene, results from a C to A substitution at nucleotide position 10495. The proline at codon 3499 is replaced by threonine, an amino acid with highly similar properties. This amino acid position is not well conserved in available vertebrate species, and threonine is the reference amino acid in other vertebrate species. In addition, this alteration is predicted to be tolerated by in silico analysis. Since supporting evidence is limited at this time, the clinical significance of this alteration remains unclear.

NM_001267550.2(TTN):c.11584C>A (p.Pro3862Thr)

Gene: TTN (titin; minus strand). Cytogenetic location: 2q31.2.
Variant type: single nucleotide variant.
Coding change: c.11584C>A on transcript NM_001267550.2 (MANE Select); coding-DNA position 11584, C replaced by A.
Protein change: p.Pro3862Thr; replaces proline 3862 with threonine.
Molecular consequence: missense variant. On other transcripts: intron variant (1).
Genome position (GRCh38, 1-based): chr2:178,741,649, G>T on the plus strand (C>A on the coding strand, the complement: TTN is on the minus strand). VCF-style: chr2-178741649-G-T. GRCh37 (hg19) VCF-style: chr2-179606376-G-T.
Other names: c.10633C>A, p.Pro3545Thr (NM_001256850.1); c.10495C>A, p.Pro3499Thr (NM_003319.4); c.10870C>A, p.Pro3624Thr (NM_133432.3); c.11071C>A, p.Pro3691Thr (NM_133437.4); c.10361-3289C>A (NM_133378.4); short protein forms P3624T, P3691T, P3499T, P3545T, P3862T.
Identifiers: ClinVar variation 1776274 (VCV001776274.3), dbSNP rs375406698, ClinGen allele CA2002835.